The following is an entry in ClinVar:

ClinVar aggregate classification (germline): Uncertain significance. Review status: criteria provided, multiple submitters, no conflicts (2 of 4 stars). 2 submissions from 2 submitters: Uncertain significance (2). Last evaluated 2023-06-02.

Conditions:
Dilated cardiomyopathy 1GG (CMD1GG). Identifiers: Orphanet 154, MedGen C3150898, MONDO:0013339, OMIM 613642.
Mitochondrial complex II deficiency, nuclear type 1. Also called: SUCCINATE CoQ REDUCTASE DEFICIENCY. Identifiers: Orphanet 3208, MedGen C5700310, MONDO:0100294, OMIM 252011.
Pheochromocytoma/paraganglioma syndrome 5. Also called: Paragangliomas 5; SDHA-Related Hereditary Paraganglioma-Pheochromocytoma Syndrome. Identifiers: Orphanet 29072, MedGen C3279992, MONDO:0013602, OMIM 614165.

Allele frequency attached by ClinVar (database versions not stated): gnomAD exomes below 0.00001.
gnomAD v4.1: 1 of 1,614,194 alleles (0.000062%); highest among the groups gnomAD compares: Non-Finnish European, 0.000085%; no homozygotes.

Submissions (2):

Baylor Genetics
Classification: Uncertain significance for Dilated cardiomyopathy 1GG. Last evaluated: 2023-06-02. Review status: criteria provided, single submitter. Criteria: ACMG Guidelines, 2015. Collection method: clinical testing. Allele origin: unknown.

Labcorp Genetics (formerly Invitae), Labcorp
Classification: Uncertain significance for Pheochromocytoma/paraganglioma syndrome 5; Mitochondrial complex II deficiency, nuclear type 1. Last evaluated: 2022-11-23. Review status: criteria provided, single submitter. Criteria: Invitae Variant Classification Sherloc (09022015). Collection method: clinical testing. Allele origin: germline.
Comment: This sequence change replaces glutamic acid, which is acidic and polar, with glycine, which is neutral and non-polar, at codon 309 of the SDHA protein (p.Glu309Gly). This variant is not present in population databases (gnomAD no frequency). This variant has not been reported in the literature in individuals affected with SDHA-related conditions. ClinVar contains an entry for this variant (Variation ID: 955093). Algorithms developed to predict the effect of missense changes on protein structure and function (SIFT, PolyPhen-2, Align-GVGD) all suggest that this variant is likely to be disruptive. In summary, the available evidence is currently insufficient to determine the role of this variant in disease. Therefore, it has been classified as a Variant of Uncertain Significance.

NM_004168.4(SDHA):c.926A>G (p.Glu309Gly)

Gene: SDHA (succinate dehydrogenase complex flavoprotein subunit A; plus strand). Cytogenetic location: 5p15.33.
Variant type: single nucleotide variant.
Coding change: c.926A>G on transcript NM_004168.4 (MANE Select); coding-DNA position 926, A replaced by G.
Protein change: p.Glu309Gly; replaces glutamic acid 309 with glycine.
Molecular consequence: missense variant.
Genome position (GRCh38, 1-based): chr5:233,507, A>G. VCF-style: chr5-233507-A-G. GRCh37 (hg19) VCF-style: chr5-233622-A-G.
Other names: c.782A>G, p.Glu261Gly (NM_001294332.2); c.926A>G, p.Glu309Gly (NM_001330758.2); short protein forms E309G, E261G.
Identifiers: ClinVar variation 955093 (VCV000955093.11), dbSNP rs1735547863, ClinGen allele CA359012578.